The following is an entry in ClinVar:

NM_018922.3(PCDHGB1):c.1232C>A (p.Thr411Lys)

Genes: PCDHG@ (protocadherin gamma cluster; plus strand), PCDHGA1 (protocadherin gamma subfamily A, 1; plus strand), PCDHGA2 (protocadherin gamma subfamily A, 2; plus strand), PCDHGA3 (protocadherin gamma subfamily A, 3; plus strand), PCDHGB1 (protocadherin gamma subfamily B, 1; plus strand). Cytogenetic location: 5q31.3.
Variant type: single nucleotide variant.
Coding change: c.1232C>A on transcript NM_018922.3 (MANE Select); coding-DNA position 1232, C replaced by A.
Protein change: p.Thr411Lys; replaces threonine 411 with lysine.
Molecular consequence: missense variant. On other transcripts: intron variant (3).
Genome position (GRCh38, 1-based): chr5:141,351,492, C>A. VCF-style: chr5-141351492-C-A. GRCh37 (hg19) VCF-style: chr5-140731059-C-A.
Other names: c.1232C>A, p.Thr411Lys (NM_032095.1); c.2421+18387C>A (NM_018912.3); c.2424+10097C>A (NM_018915.4); c.2424+5035C>A (NM_018916.4); short protein forms T411K.
Identifiers: ClinVar variation 2655843 (VCV002655843.24), dbSNP rs62623563, ClinGen allele CA3468531.

ClinVar aggregate classification (germline): Likely benign (1 of 4 stars; one submission).

Allele frequency attached by ClinVar (database versions not stated): 1000 Genomes Project 30x 0.00156; 1000 Genomes Project 0.00180; ESP Exome Variant Server 0.00322; TOPMed 0.00385; gnomAD 0.00555; ExAC 0.00662; gnomAD exomes 0.00662.
gnomAD v4.1: 10,416 of 1,613,942 alleles (0.65%); highest among the groups gnomAD compares: Non-Finnish European, 0.68%; 45 homozygotes.

Submission:

CeGaT Center for Human Genetics Tuebingen
Classification: Likely benign. Last evaluated: 2023-08-01. Review status: criteria provided, single submitter. Criteria: CeGaT Center For Human Genetics Tuebingen Variant Classification Criteria Version 2. Collection method: clinical testing. Allele origin: germline. Affected: yes. Observed: 1 variant allele.
Comment: PCDHGB1: BP4, BS2